The following is an entry in ClinVar:

ClinVar aggregate classification (germline): Uncertain significance (1 of 4 stars; one submission).

gnomAD v4.1: 380 of 1,590,092 alleles (0.024%); highest among the groups gnomAD compares: Non-Finnish European, 0.002%; 2 homozygotes.

Submission:

Labcorp Genetics (formerly Invitae), Labcorp
Classification: Uncertain significance. Last evaluated: 2025-01-14. Review status: criteria provided, single submitter. Criteria: Invitae Variant Classification Sherloc (09022015). Collection method: clinical testing. Allele origin: germline.
Comment: This sequence change replaces histidine, which is basic and polar, with arginine, which is basic and polar, at codon 111 of the SON protein (p.His111Arg). The frequency data for this variant in the population databases is considered unreliable, as metrics indicate poor data quality at this position in the gnomAD database. This variant has not been reported in the literature in individuals affected with SON-related conditions. An algorithm developed to predict the effect of missense changes on protein structure and function (PolyPhen-2) suggests that this variant is likely to be disruptive. In summary, the available evidence is currently insufficient to determine the role of this variant in disease. Therefore, it has been classified as a Variant of Uncertain Significance.

NM_138927.4(SON):c.332A>G (p.His111Arg)

Gene: SON (SON DNA and RNA binding protein; plus strand). Cytogenetic location: 21q22.11.
Variant type: single nucleotide variant.
Coding change: c.332A>G on transcript NM_138927.4 (MANE Select); coding-DNA position 332, A replaced by G.
Protein change: p.His111Arg; replaces histidine 111 with arginine.
Molecular consequence: missense variant. On other transcripts: non-coding transcript variant (1), intron variant (1).
Genome position (GRCh38, 1-based): chr21:33,549,563, A>G. VCF-style: chr21-33549563-A-G. GRCh37 (hg19) VCF-style: chr21-34921869-A-G.
Other names: c.332A>G, p.His111Arg (NM_001291411.2, NM_032195.3); c.244+3184A>G (NM_001291412.3); short protein forms H111R.
Identifiers: ClinVar variation 3603840 (VCV003603840.2).
Genomic context (GRCh38, chr21:33,549,563, plus strand): 5'-GATGCGTATCTGTACAAACAGATCCTACTGATGAAATTCCCACTAAAAAGTCAAAGAAGC[A>G]TAAAAAGCACAAAAACAAAAAGAAGAAAAAGAAGAAAGAAAAGGAAAAAAAATATAAAAG-3'
Protein context (NP_620305.3, residues 101-121): DEIPTKKSKK[His111Arg]KKHKNKKKKK